The following is an entry in ClinVar:

NM_001042492.3(NF1):c.298del (p.Asp100fs)

Gene: NF1 (neurofibromin 1; plus strand). Cytogenetic location: 17q11.2.
Variant type: Deletion.
Coding change: c.298del on transcript NM_001042492.3 (MANE Select); coding-DNA position 298, one base deleted (G; older notation c.298delG).
Protein change: p.Asp100fs; shifts the reading frame from aspartic acid 100.
Molecular consequence: frameshift variant.
Genome position (GRCh38, 1-based): chr17:31,163,195, G deleted; the last of 2 consecutive G bases (chr17:31,163,194-31,163,195); deleting either gives the same sequence. VCF-style (leftmost placement, unchanged base first): chr17-31163193-AG-A. GRCh37 (hg19) VCF-style: chr17-29490211-AG-A.
Other names: c.298delG, p.Asp100Thrfs (NM_000267.4); c.298del, p.Asp100fs (NM_001128147.3); c.298delG (NM_000267.3); short protein forms D100fs.
Identifiers: ClinVar variation 576707 (VCV000576707.7), dbSNP rs1567817841, ClinGen allele CA891843772.

ClinVar aggregate classification (germline): Pathogenic (1 of 4 stars; one submission).

Conditions:
Neurofibromatosis, type 1 (NF1). Also called: Peripheral type neurofibromatosis; Neurofibromatosis, type I; VON RECKLINGHAUSEN DISEASE; NEUROFIBROMATOSIS, TYPE I, SOMATIC. Identifiers: Orphanet 636, MedGen C0027831, MONDO:0018975, OMIM 162200. Disease mechanism: loss of function.

Submission:

Labcorp Genetics (formerly Invitae), Labcorp
Classification: Pathogenic for Neurofibromatosis, type 1. Last evaluated: 2019-11-09. Review status: criteria provided, single submitter. Criteria: Invitae Variant Classification Sherloc (09022015). Collection method: clinical testing. Allele origin: germline.
Comment: This sequence change creates a premature translational stop signal (p.Asp100Thrfs*3) in the NF1 gene. It is expected to result in an absent or disrupted protein product. For these reasons, this variant has been classified as Pathogenic. Loss-of-function variants in NF1 are known to be pathogenic (PMID: 10712197, 23913538). This variant has not been reported in the literature in individuals with NF1-related conditions. ClinVar contains an entry for this variant (Variation ID: 576707). This variant is not present in population databases (ExAC no frequency).

Literature cited by the submitters: PubMed 10712197; PubMed 23913538.